The following is an entry in ClinVar:

ClinVar aggregate classification (germline): Uncertain significance (1 of 4 stars; one submission).

Conditions:
Drash syndrome (DDS). Also called: NEPHROPATHY, WILMS TUMOR, AND GENITAL ANOMALIES; WILMS TUMOR AND PSEUDO- OR TRUE HERMAPHRODITISM. Identifiers: Orphanet 220, MedGen C0950121, MONDO:0008682, OMIM 194080.
Wilms tumor 1 (WT1). Also called: Wilms tumor, somatic. Identifiers: Orphanet 654, MedGen CN033288, MONDO:0008679, OMIM 194070.
11p partial monosomy syndrome (WAGR). Also called: CHROMOSOME 11p13 DELETION SYNDROME; WAGR syndrome; WAGR Complex; WAGR Spectrum Disorder. Identifiers: Orphanet 893, MedGen C0206115, MONDO:0008681, OMIM 194072.
Frasier syndrome. Identifiers: Orphanet 347, MedGen C0950122, MeSH D052159, MONDO:0007635, OMIM 136680.

Submission:

Labcorp Genetics (formerly Invitae), Labcorp
Classification: Uncertain significance for Wilms tumor 1; Drash syndrome; 11p partial monosomy syndrome; Frasier syndrome. Last evaluated: 2023-05-19. Review status: criteria provided, single submitter. Criteria: Invitae Variant Classification Sherloc (09022015). Collection method: clinical testing. Allele origin: germline.
Comment: In summary, the available evidence is currently insufficient to determine the role of this variant in disease. Therefore, it has been classified as a Variant of Uncertain Significance. Algorithms developed to predict the effect of missense changes on protein structure and function output the following: SIFT: "Not Available"; PolyPhen-2: "Benign"; Align-GVGD: "Not Available". The serine amino acid residue is found in multiple mammalian species, which suggests that this missense change does not adversely affect protein function. This variant has not been reported in the literature in individuals affected with WT1-related conditions. This variant is not present in population databases (gnomAD no frequency). This sequence change replaces proline, which is neutral and non-polar, with serine, which is neutral and polar, at codon 12 of the WT1 protein (p.Pro12Ser).

NM_024426.6(WT1):c.49C>T (p.Pro17Ser)

Genes: WT1 (WT1 transcription factor; minus strand), LOC107982234 (WT1/WT1-AS bi-directional promoter region; plus strand). Cytogenetic location: 11p13.
Variant type: single nucleotide variant.
Coding change: c.49C>T on transcript NM_024426.6 (MANE Select); coding-DNA position 49, C replaced by T.
Protein change: p.Pro17Ser; replaces proline 17 with serine.
Molecular consequence: missense variant. On other transcripts: non-coding transcript variant (2).
Genome position (GRCh38, 1-based): chr11:32,435,312, G>A on the plus strand (C>T on the coding strand, the complement: WT1 is on the minus strand). VCF-style: chr11-32435312-G-A. GRCh37 (hg19) VCF-style: chr11-32456858-G-A.
Other names: c.49C>T, p.Pro17Ser (NM_000378.6, NM_001407044.1, NM_001407045.1 and 6 more transcripts); c.34C>T, p.Pro12Ser (NM_024425.2); short protein forms P17S, P12S.
Identifiers: ClinVar variation 2947909 (VCV002947909.3), dbSNP rs1400931478, ClinGen allele CA379966493.
Genomic context (GRCh38, chr11:32,435,312, plus strand): 5'-CCTGCTGCTCTGGCTGCTGTAGGCACCCAGGCCCGGAGCGGAGCGTGTGCTGAGACGCCG[G>A]CTCCGGGACACACGTGGAAGCCGGGTCCTGCAGCAAGAGGAAGTCCAGGATCGCGGCGAG-3'
Protein context (NP_077744.4, residues 7-27): QDPASTCVPE[Pro17Ser]ASQHTLRSGP